The following is an entry in ClinVar:

ClinVar aggregate classification (germline): Likely benign (1 of 4 stars; one submission).

Allele frequency attached by ClinVar (database versions not stated): 1000 Genomes Project 30x 0.00016; 1000 Genomes Project 0.00020; ExAC 0.00021; TOPMed 0.00035; ESP Exome Variant Server 0.00040; gnomAD 0.00040; gnomAD exomes 0.00069.
gnomAD v4.1: 1,093 of 1,614,084 alleles (0.068%); highest among the groups gnomAD compares: Non-Finnish European, 0.085%; no homozygotes.

Submission:

CeGaT Center for Human Genetics Tuebingen
Classification: Likely benign. Last evaluated: 2026-04-01. Review status: criteria provided, single submitter. Criteria: CeGaT Center For Human Genetics Tuebingen Variant Classification Criteria Version 2. Collection method: clinical testing. Allele origin: germline. Affected: yes. Observed: 2 variant alleles.
Comment: NCAPG2: BP4, BP7

NM_017760.7(NCAPG2):c.1686C>T (p.Thr562=)

Genes: NCAPG2 (non-SMC condensin II complex subunit G2; minus strand), LOC126860260 (MED14-independent group 3 enhancer GRCh37_chr7:158456637-158457836; plus strand). Cytogenetic location: 7q36.3.
Variant type: single nucleotide variant.
Coding change: c.1686C>T on transcript NM_017760.7 (MANE Select); coding-DNA position 1686, C replaced by T.
Protein change: p.Thr562=; no amino-acid change (threonine 562 retained).
Molecular consequence: synonymous variant. On other transcripts: non-coding transcript variant (1).
Genome position (GRCh38, 1-based): chr7:158,664,544, G>A on the plus strand (C>T on the coding strand, the complement: NCAPG2 is on the minus strand). VCF-style: chr7-158664544-G-A. GRCh37 (hg19) VCF-style: chr7-158457236-G-A.
Other names: c.1686C>T, p.Thr562= (NM_001281932.2, NM_001281933.2).
Identifiers: ClinVar variation 2583056 (VCV002583056.25), dbSNP rs374298831, ClinGen allele CA4592791.
Genomic context (GRCh38, chr7:158,664,544, plus strand): 5'-GGGGGAAAACATAACAAGAACTGAGAAATAACAGCACTCCCTACCTATGTTGGTGCAGGC[G>A]GTGTGTTCGTGGGCGTACTGATAGAACCTCCTGGCAGCGGCGTGGTTCATCTGCACCAGG-3'
Protein context (NP_060230.5, residues 552-572): RRFYQYAHEH[Thr562=]ACTNIAKLIH